The following is an entry in ClinVar:

ClinVar aggregate classification (germline): Uncertain significance (1 of 4 stars; one submission).

Submission:

Labcorp Genetics (formerly Invitae), Labcorp
Classification: Uncertain significance. Last evaluated: 2020-11-28. Review status: criteria provided, single submitter. Criteria: Invitae Variant Classification Sherloc (09022015). Collection method: clinical testing. Allele origin: germline.
Comment: This variant results in a copy number gain of the genomic region encompassing the full coding sequence of the CNNM4 gene. The boundaries of this event are unknown as they extend beyond the assayed region for this gene and therefore may encompass additional genes. As the precise location of this event is unknown, it may be in tandem or it may be located elsewhere in the genome. This variant has not been reported in the literature in individuals with CNNM4-related conditions. In summary, the available evidence is currently insufficient to determine the role of this variant in disease. Therefore, it has been classified as a Variant of Uncertain Significance.

NC_000002.11:g.(?_96780545)_(97475254_?)dup

Genes: STARD7 (StAR related lipid transfer domain containing 7; minus strand), SNRNP200 (small nuclear ribonucleoprotein U5 subunit 200; minus strand), NCAPH (non-SMC condensin I complex subunit H; plus strand), ADRA2B (adrenoceptor alpha 2B; minus strand), ARID5A (AT-rich interaction domain 5A; plus strand) and 9 more. Cytogenetic location: 2q11.1-11.2.
Variant type: Duplication.
Identifiers: ClinVar variation 1443631 (VCV001443631.1).